The following is an entry in ClinVar:

NM_004525.3(LRP2):c.3080G>T (p.Gly1027Val)

Gene: LRP2 (LDL receptor related protein 2; minus strand). Cytogenetic location: 2q31.1.
Variant type: single nucleotide variant.
Coding change: c.3080G>T on transcript NM_004525.3 (MANE Select); coding-DNA position 3080, G replaced by T.
Protein change: p.Gly1027Val; replaces glycine 1027 with valine.
Molecular consequence: missense variant.
Genome position (GRCh38, 1-based): chr2:169,246,815, C>A on the plus strand (G>T on the coding strand, the complement: LRP2 is on the minus strand). VCF-style: chr2-169246815-C-A. GRCh37 (hg19) VCF-style: chr2-170103325-C-A.
Other names: short protein forms G1027V.
Identifiers: ClinVar variation 2136293 (VCV002136293.2), dbSNP rs1262078845, ClinGen allele CA349152971.

ClinVar aggregate classification (germline): Uncertain significance. Review status: criteria provided, multiple submitters, no conflicts (2 of 4 stars). 2 submissions from 2 submitters: Uncertain significance (2). Last evaluated 2022-07-06.

Allele frequency attached by ClinVar (database versions not stated): gnomAD 0.00001; TOPMed 0.00001.
gnomAD v4.1: 71 of 1,614,014 alleles (0.0044%); highest among the groups gnomAD compares: Non-Finnish European, 0.0059%; no homozygotes.

Submissions (2):

GeneDx
Classification: Uncertain significance. Last evaluated: 2022-07-06. Review status: criteria provided, single submitter. Criteria: GeneDx Variant Classification Process June 2021. Collection method: clinical testing. Allele origin: germline. Affected: yes.
Comment: Not observed at significant frequency in large population cohorts (gnomAD); In silico analysis supports that this missense variant has a deleterious effect on protein structure/function; Has not been previously published as pathogenic or benign to our knowledge

Blueprint Genetics
Classification: Uncertain significance. Last evaluated: 2018-11-30. Review status: criteria provided, single submitter. Criteria: ACMG Guidelines, 2015. Collection method: clinical testing. Allele origin: germline.